The following is an entry in ClinVar:

NM_000545.8(HNF1A):c.339G>T (p.Trp113Cys)

Gene: HNF1A (HNF1 homeobox A; plus strand). Cytogenetic location: 12q24.31.
Variant type: single nucleotide variant.
Coding change: c.339G>T on transcript NM_000545.8 (MANE Select); coding-DNA position 339, G replaced by T.
Protein change: p.Trp113Cys; replaces tryptophan 113 with cysteine.
Molecular consequence: missense variant.
Genome position (GRCh38, 1-based): chr12:120,988,845, G>T. VCF-style: chr12-120988845-G-T. GRCh37 (hg19) VCF-style: chr12-121426648-G-T.
Other names: NM_001306179.2:c.339G>T; c.339G>T, p.Trp113Cys (NM_001306179.2, NM_001406915.1); short protein forms W113C.
Identifiers: ClinVar variation 4845626 (VCV004845626.1).

ClinVar aggregate classification (germline): Uncertain significance (3 of 4 stars; one submission).

Conditions:
Monogenic diabetes. Identifiers: Orphanet 183625, MedGen C3888631, MONDO:0015967.

Submission:

ClinGen Monogenic Diabetes Variant Curation Expert Panel
Classification: Uncertain significance for Monogenic diabetes. Last evaluated: 2026-04-23. Review status: reviewed by expert panel. Criteria: ClinGen Diabetes ACMG Specifications HNF1A V3.1.0. Collection method: curation. Allele origin: germline. Inheritance: Autosomal dominant inheritance.
Comment: The c.339G>T variant in the HNF1 homeobox A gene, HNF1A, causes an amino acid change of tryptophan to cysteine at codon 113 (p.(Trp113Cys)) of NM_000545.8. This variant is absent from gnomAD v4.1.0 (PM2_Supporting). This variant is predicted to be deleterious by computational evidence, with a REVEL score of 0.984, which is greater than the MDEP VCEP threshold of 0.70 (PP3). This variant is located within a conserved region of the DNA binding domain (codons 107-174 and 201-280) of HNF1A, which is defined as critical for the protein’s function by the ClinGen MDEP (PM1_Supporting). This variant was identified in an individual with a clinical history highly specific for HNF1A-monogenic diabetes (MODY probability calculator result >50%, negative genetic testing for HNF4A, and antibody negative) (PP4_Moderate; internal lab contributors). In summary, c.339G>T meets the criteria to be classified as a variant of uncertain significance for monogenic diabetes. ACMG/AMP criteria applied, as specified by the ClinGen MDEP (specification version 3.1.0, approved 10/10/2025): PP4_Moderate, PM1_Supporting, PM2_Supporting, PP3.